The following is an entry in ClinVar:

NM_000059.4(BRCA2):c.7708A>G (p.Lys2570Glu)

Gene: BRCA2 (BRCA2 DNA repair associated; plus strand). Cytogenetic location: 13q13.1.
Variant type: single nucleotide variant.
Coding change: c.7708A>G on transcript NM_000059.4 (MANE Select); coding-DNA position 7708, A replaced by G.
Protein change: p.Lys2570Glu; replaces lysine 2570 with glutamic acid.
Molecular consequence: missense variant.
Genome position (GRCh38, 1-based): chr13:32,357,832, A>G. VCF-style: chr13-32357832-A-G. GRCh37 (hg19) VCF-style: chr13-32931969-A-G.
Other names: short protein forms K2570E.
Identifiers: ClinVar variation 231763 (VCV000231763.13), dbSNP rs876659346, ClinGen allele CA10579749.

ClinVar aggregate classification (germline): Uncertain significance. Review status: criteria provided, multiple submitters, no conflicts (2 of 4 stars). 2 submissions from 2 submitters: Uncertain significance (2). Last evaluated 2016-07-13.

Conditions:
Hereditary cancer-predisposing syndrome. Also called: Neoplastic Syndromes, Hereditary; Tumor predisposition; Hereditary Cancer Syndrome; Hereditary neoplastic syndrome. Identifiers: Orphanet 140162, MedGen C0027672, MeSH D009386, MONDO:0015356.
Hereditary breast ovarian cancer syndrome. Also called: BRCA1- and BRCA2-Associated Hereditary Breast and Ovarian Cancer; Hereditary breast and ovarian cancer syndrome; Hereditary breast and ovarian cancer; Hereditary breast and ovarian cancer syndrome (HBOC); Breast and ovarian cancer; Hereditary breast and/or ovarian cancer syndrome. Identifiers: Orphanet 145, MedGen C0677776, MeSH D061325, MONDO:0003582. Disease mechanism: loss of function.

Submissions (2):

Ambry Genetics
Classification: Uncertain significance for Hereditary cancer-predisposing syndrome. Last evaluated: 2016-07-13. Review status: criteria provided, single submitter. Criteria: Ambry Variant Classification Scheme 2023. Collection method: clinical testing. Allele origin: germline.
Comment: The p.K2570E variant (also known as c.7708A>G), located in coding exon 15 of the BRCA2 gene, results from an A to G substitution at nucleotide position 7708. The lysine at codon 2570 is replaced by glutamic acid, an amino acid with similar properties. This variant was not reported in population based cohorts in the following databases: Database of Single Nucleotide Polymorphisms (dbSNP), NHLBI Exome Sequencing Project (ESP), and 1000 Genomes Project. In the ESP, this variant was not observed in 6503 samples (13006 alleles) with coverage at this position. To date, this alteration has been detected with an allele frequency of approximately 0.0007% (greater than 300000 alleles tested) in our clinical cohort. Based on protein sequence alignment, this amino acid position is highly conserved in available vertebrate species. In addition, the in silico prediction for this alteration is inconclusive. Since supporting evidence is limited at this time, the clinical significance of p.K2570E remains unclear.

Labcorp Genetics (formerly Invitae), Labcorp
Classification: Uncertain significance for Hereditary breast ovarian cancer syndrome. Last evaluated: 2016-02-11. Review status: criteria provided, single submitter. Criteria: Invitae Variant Classification Sherloc (09022015). Collection method: clinical testing. Allele origin: germline.
Comment: This sequence change replaces lysine with glutamic acid at codon 2570 of the BRCA2 protein (p.Lys2570Glu). The lysine residue is moderately conserved and there is a small physicochemical difference between lysine and glutamic acid. This variant is not present in population databases (ExAC no frequency) and has not been reported in the literature in individuals with a BRCA2-related disease. Algorithms developed to predict the effect of missense changes on protein structure and function do not agree on the potential impact of this missense change (SIFT: "Tolerated"; PolyPhen-2: "Probably Damaging"; Align-GVGD: "Class C0"). In summary, this is a novel missense change with uncertain impact on protein function. It has been classified as a Variant of Uncertain Significance.